The following is an entry in ClinVar:

ClinVar aggregate classification (germline): Likely pathogenic. Review status: criteria provided, multiple submitters, no conflicts (2 of 4 stars). 2 submissions from 2 submitters: Likely pathogenic (2). Last evaluated 2024-09-18.

Conditions:
Autosomal recessive limb-girdle muscular dystrophy type 2J (LGMDR10). Also called: Limb-girdle muscular dystrophy, type 2J; MUSCULAR DYSTROPHY, LIMB-GIRDLE, AUTOSOMAL RECESSIVE 10. Identifiers: Orphanet 140922, MedGen C1837342, MONDO:0012127, OMIM 608807.
Dilated cardiomyopathy 1G (CMD1G). Identifiers: Orphanet 154, MedGen C1858763, MONDO:0011400, OMIM 604145.

Submissions (2):

Labcorp Genetics (formerly Invitae), Labcorp
Classification: Likely pathogenic for Dilated cardiomyopathy 1G; Autosomal recessive limb-girdle muscular dystrophy type 2J. Last evaluated: 2024-09-18. Review status: criteria provided, single submitter. Criteria: Invitae Variant Classification Sherloc (09022015). Collection method: clinical testing. Allele origin: germline.
Comment: This sequence change creates a premature translational stop signal (p.Pro35420Glnfs*2) in the TTN gene. While this is not anticipated to result in nonsense mediated decay, it is expected to create a truncated TTN protein. This variant is not present in population databases (gnomAD no frequency). This variant has not been reported in the literature in individuals affected with TTN-related conditions. ClinVar contains an entry for this variant (Variation ID: 871689). This variant is located in the M band of TTN (PMID: 25589632). Truncating variants in this region have been previously reported in individuals affected with autosomal recessive myopathy and muscular dystrophy (PMID: 18948003, 23975875, 24395473). Truncating variants in this region have also been identified in individuals affected with autosomal dominant dilated cardiomyopathy and/or cardio-related conditions (PMID: 27869827, 32964742, internal data). In summary, the currently available evidence indicates that the variant is pathogenic, but additional data are needed to prove that conclusively. Therefore, this variant has been classified as Likely Pathogenic.

CeGaT Center for Human Genetics Tuebingen
Classification: Likely pathogenic. Last evaluated: 2020-01-01. Review status: criteria provided, single submitter. Criteria: CeGaT Center For Human Genetics Tuebingen Variant Classification Criteria Version 2. Collection method: clinical testing. Allele origin: germline. Affected: yes. Observed: 1 variant allele.

Literature cited by the submitters: PubMed 25589632 (cited by Labcorp Genetics (formerly Invitae), Labcorp); PubMed 18948003 (cited by Labcorp Genetics (formerly Invitae), Labcorp); PubMed 23975875 (cited by Labcorp Genetics (formerly Invitae), Labcorp); PubMed 24395473 (cited by Labcorp Genetics (formerly Invitae), Labcorp); PubMed 27869827 (cited by Labcorp Genetics (formerly Invitae), Labcorp); PubMed 32964742 (cited by Labcorp Genetics (formerly Invitae), Labcorp).

NM_001267550.2(TTN):c.106259del (p.Pro35420fs)

Genes: TTN (titin; minus strand), TTN-AS1 (TTN antisense RNA 1; plus strand). Cytogenetic location: 2q31.2.
Variant type: Deletion.
Coding change: c.106259del on transcript NM_001267550.2 (MANE Select); coding-DNA position 106259, one base deleted (C; older notation c.106259delC).
Protein change: p.Pro35420fs; shifts the reading frame from proline 35420.
Molecular consequence: frameshift variant.
Genome position (GRCh38, 1-based): chr2:178,530,356, G deleted on the plus strand (C on the coding strand, the reverse complement: TTN is on the minus strand); the first of 2 consecutive G bases (chr2:178,530,356-178,530,357); deleting either gives the same sequence. VCF-style (leftmost placement, unchanged base first): chr2-178530355-TG-T. GRCh37 (hg19) VCF-style: chr2-179395082-TG-T.
Other names: c.101336del, p.Pro33779fs (NM_001256850.1); c.79064del, p.Pro26355fs (NM_003319.4); c.98555del, p.Pro32852fs (NM_133378.4); c.79439del, p.Pro26480fs (NM_133432.3); c.79640del, p.Pro26547fs (NM_133437.4); short protein forms P26547fs, P33779fs, P35420fs, P26355fs, P26480fs, P32852fs.
Identifiers: ClinVar variation 871689 (VCV000871689.43), dbSNP rs1688559718, ClinGen allele CA1139657398.